The following is an entry in ClinVar:

NM_007294.4(BRCA1):c.586T>C (p.Tyr196His)

Gene: BRCA1 (BRCA1 DNA repair associated; minus strand). Cytogenetic location: 17q21.31.
Variant type: single nucleotide variant.
Coding change: c.586T>C on transcript NM_007294.4 (MANE Select); coding-DNA position 586, T replaced by C.
Protein change: p.Tyr196His; replaces tyrosine 196 with histidine.
Molecular consequence: missense variant. On other transcripts: non-coding transcript variant (1).
Genome position (GRCh38, 1-based): chr17:43,097,251, A>G on the plus strand (T>C on the coding strand, the complement: BRCA1 is on the minus strand). VCF-style: chr17-43097251-A-G. GRCh37 (hg19) VCF-style: chr17-41249268-A-G.
Other names: c.373T>C, p.Tyr125His (NM_001407571.1, NM_001407853.1, NM_001407894.1 and 12 more transcripts); c.586T>C, p.Tyr196His (NM_001407581.1, NM_001407582.1, NM_001407583.1 and 59 more transcripts); c.583T>C, p.Tyr195His (NM_001407587.1, NM_001407590.1, NM_001407591.1 and 41 more transcripts); c.577T>C, p.Tyr193His (NM_001407646.1, NM_001407647.1, NM_001408408.1); c.508T>C, p.Tyr170His (NM_001407653.1, NM_001407654.1, NM_001407655.1 and 9 more transcripts); c.505T>C, p.Tyr169His (NM_001407659.1, NM_001407660.1, NM_001407661.1 and 3 more transcripts); c.445T>C, p.Tyr149His (NM_001407692.1, NM_001407694.1, NM_001407695.1 and 43 more transcripts); c.442T>C, p.Tyr148His (NM_001407740.1, NM_001407741.1, NM_001407742.1 and 26 more transcripts); and 4 more; short protein forms Y149H, Y196H, Y195H, Y68H, Y69H, Y151H, Y170H, Y148H.
Identifiers: ClinVar variation 651908 (VCV000651908.10), dbSNP rs1597883964, ClinGen allele CA10600951.

ClinVar aggregate classification (germline): Uncertain significance (1 of 4 stars; one submission).

Conditions:
Hereditary breast ovarian cancer syndrome. Also called: Breast and ovarian cancer; BRCA1- and BRCA2-Associated Hereditary Breast and Ovarian Cancer; Hereditary breast and ovarian cancer; Hereditary breast and/or ovarian cancer syndrome; Hereditary breast and ovarian cancer syndrome; Hereditary breast and ovarian cancer syndrome (HBOC). Identifiers: Orphanet 145, MedGen C0677776, MeSH D061325, MONDO:0003582. Disease mechanism: loss of function.

Submission:

Labcorp Genetics (formerly Invitae), Labcorp
Classification: Uncertain significance for Hereditary breast ovarian cancer syndrome. Last evaluated: 2018-12-24. Review status: criteria provided, single submitter. Criteria: Invitae Variant Classification Sherloc (09022015). Collection method: clinical testing. Allele origin: germline.
Comment: This variant has been reported in individuals in the Leiden Open-source Variation Database (PMID: 21520333). In summary, the available evidence is currently insufficient to determine the role of this variant in disease. Therefore, it has been classified as a Variant of Uncertain Significance. Algorithms developed to predict the effect of missense changes on protein structure and function output the following: SIFT: "Tolerated"; PolyPhen-2: "Possibly Damaging"; Align-GVGD: "Class C0". The histidine amino acid residue is found in multiple mammalian species, suggesting that this missense change does not adversely affect protein function. These predictions have not been confirmed by published functional studies and their clinical significance is uncertain. This variant is not present in population databases (ExAC no frequency). This sequence change replaces tyrosine with histidine at codon 196 of the BRCA1 protein (p.Tyr196His). The tyrosine residue is weakly conserved and there is a moderate physicochemical difference between tyrosine and histidine.

Literature cited by the submitters: PubMed 21520333.